The following is an entry in ClinVar:

ClinVar aggregate classification (germline): Conflicting classifications of pathogenicity. Review status: criteria provided, conflicting classifications (1 of 4 stars). 2 submissions from 2 submitters: Uncertain significance (1); Likely benign (1). Last evaluated 2023-06-02.

Conditions:
Arrhythmogenic right ventricular dysplasia 12. Also called: ARRHYTHMOGENIC RIGHT VENTRICULAR DYSPLASIA, FAMILIAL, 12. Identifiers: MedGen C1969081, MONDO:0012684, OMIM 611528.
Naxos disease (NXD). Also called: KERATOSIS PALMOPLANTARIS WITH ARRHYTHMOGENIC CARDIOMYOPATHY; MAL DE NAXOS; PALMOPLANTAR KERATODERMA WITH ARRHYTHMOGENIC RIGHT VENTRICULAR CARDIOMYOPATHY AND WOOLLY HAIR; WOOLLY HAIR, PALMOPLANTAR KERATODERMA, AND CARDIAC ABNORMALITIES; CARDIOMYOPATHY, ARRHYTHMOGENIC RIGHT VENTRICULAR, WITH SKIN, HAIR, AND NAIL ABNORMALITIES. Identifiers: Orphanet 34217, MedGen C1832600, MONDO:0011017, OMIM 601214.
Cardiovascular phenotype. Identifiers: MedGen CN230736.

Allele frequency attached by ClinVar (database versions not stated): TOPMed below 0.00001; ExAC 0.00001; gnomAD 0.00001; gnomAD exomes 0.00001.

Submissions (2):

Labcorp Genetics (formerly Invitae), Labcorp
Classification: Uncertain significance for Arrhythmogenic right ventricular dysplasia 12; Naxos disease. Last evaluated: 2023-06-02. Review status: criteria provided, single submitter. Criteria: Invitae Variant Classification Sherloc (09022015). Collection method: clinical testing. Allele origin: germline.
Comment: This variant has not been reported in the literature in individuals affected with JUP-related conditions. In summary, the available evidence is currently insufficient to determine the role of this variant in disease. Therefore, it has been classified as a Variant of Uncertain Significance. An algorithm developed to predict the effect of missense changes on protein structure and function (PolyPhen-2) suggests that this variant is likely to be disruptive. ClinVar contains an entry for this variant (Variation ID: 536630). This variant is present in population databases (rs782135453, gnomAD 0.01%). This sequence change replaces asparagine, which is neutral and polar, with serine, which is neutral and polar, at codon 421 of the JUP protein (p.Asn421Ser).

Ambry Genetics
Classification: Likely benign for Cardiovascular phenotype. Last evaluated: 2022-10-20. Review status: criteria provided, single submitter. Criteria: Ambry Variant Classification Scheme 2023. Collection method: clinical testing. Allele origin: germline.

NM_002230.4(JUP):c.1262A>G (p.Asn421Ser)

Gene: JUP (junction plakoglobin; minus strand). Cytogenetic location: 17q21.2.
Variant type: single nucleotide variant.
Coding change: c.1262A>G on transcript NM_002230.4 (MANE Select); coding-DNA position 1262, A replaced by G.
Protein change: p.Asn421Ser; replaces asparagine 421 with serine.
Molecular consequence: missense variant.
Genome position (GRCh38, 1-based): chr17:41,763,218, T>C on the plus strand (A>G on the coding strand, the complement: JUP is on the minus strand). VCF-style: chr17-41763218-T-C. GRCh37 (hg19) VCF-style: chr17-39919470-T-C.
Other names: c.1262A>G, p.Asn421Ser (NM_001352773.2, NM_001352774.2, NM_001352775.2 and 3 more transcripts); short protein forms N421S.
Identifiers: ClinVar variation 536630 (VCV000536630.8), dbSNP rs782135453, ClinGen allele CA8565243.